The following is an entry in ClinVar:

ClinVar aggregate classification (germline): Uncertain significance (1 of 4 stars; one submission).

Conditions:
Dilated cardiomyopathy 1Z (CMD1Z). Identifiers: Orphanet 154, MedGen C2678475, MONDO:0012745, OMIM 611879.
Hypertrophic cardiomyopathy 13. Also called: TNNC1-Related Familial Hypertrophic Cardiomyopathy. Identifiers: MedGen C2750472, MONDO:0013195, OMIM 613243.

Submission:

Labcorp Genetics (formerly Invitae), Labcorp
Classification: Uncertain significance for Hypertrophic cardiomyopathy 13; Dilated cardiomyopathy 1Z. Last evaluated: 2016-06-26. Review status: criteria provided, single submitter. Criteria: Invitae Variant Classification Sherloc (09022015). Collection method: clinical testing. Allele origin: germline.
Comment: In summary, this variant is a novel missense change with uncertain impact on protein function. It has been classified as a Variant of Uncertain Significance. Algorithms developed to predict the effect of missense changes on protein structure and function do not agree on the potential impact of this missense change (SIFT: "Deleterious"; PolyPhen-2: "Probably Damaging"; Align-GVGD: "Class C0"). This variant is not present in population databases (ExAC no frequency) and has not been reported in the literature in individuals with a TNNC1-related disease. This sequence change replaces aspartic acid with valine at codon 151 of the TNNC1 protein (p.Asp151Val). The aspartic acid residue is moderately conserved and there is a large physicochemical difference between aspartic acid and valine.

NM_003280.3(TNNC1):c.452A>T (p.Asp151Val)

Gene: TNNC1 (troponin C1, slow skeletal and cardiac type; minus strand). Cytogenetic location: 3p21.1.
Variant type: single nucleotide variant.
Coding change: c.452A>T on transcript NM_003280.3 (MANE Select); coding-DNA position 452, A replaced by T.
Protein change: p.Asp151Val; replaces aspartic acid 151 with valine.
Molecular consequence: missense variant.
Genome position (GRCh38, 1-based): chr3:52,451,393, T>A on the plus strand (A>T on the coding strand, the complement: TNNC1 is on the minus strand). VCF-style: chr3-52451393-T-A. GRCh37 (hg19) VCF-style: chr3-52485409-T-A.
Other names: c.452A>T (LRG_378t1); short protein forms D151V.
Identifiers: ClinVar variation 409875 (VCV000409875.5), dbSNP rs1060502611, ClinGen allele CA16611547.